The following is an entry in ClinVar:

NM_006015.6(ARID1A):c.914C>T (p.Ala305Val)

Genes: ARID1A (AT-rich interaction domain 1A; plus strand), LOC129929837 (ATAC-STARR-seq lymphoblastoid silent region 489; plus strand). Cytogenetic location: 1p36.11.
Variant type: single nucleotide variant.
Coding change: c.914C>T on transcript NM_006015.6 (MANE Select); coding-DNA position 914, C replaced by T.
Protein change: p.Ala305Val; replaces alanine 305 with valine.
Molecular consequence: missense variant.
Genome position (GRCh38, 1-based): chr1:26,697,317, C>T. VCF-style: chr1-26697317-C-T. GRCh37 (hg19) VCF-style: chr1-27023808-C-T.
Other names: c.914C>T, p.Ala305Val (NM_139135.4); short protein forms A305V.
Identifiers: ClinVar variation 1420428 (VCV001420428.8), dbSNP rs747283284, ClinGen allele CA706704.

ClinVar aggregate classification (germline): Uncertain significance (1 of 4 stars; one submission).

Allele frequency attached by ClinVar (database versions not stated): gnomAD 0.00002 and 0.00003; gnomAD exomes 0.00002; TOPMed 0.00002; ExAC 0.00028.
gnomAD v4.1: 35 of 1,343,946 alleles (0.0026%); highest among the groups gnomAD compares: Middle Eastern, 0.073%; no homozygotes.

Submission:

Labcorp Genetics (formerly Invitae), Labcorp
Classification: Uncertain significance. Last evaluated: 2022-07-19. Review status: criteria provided, single submitter. Criteria: Invitae Variant Classification Sherloc (09022015). Collection method: clinical testing. Allele origin: germline.
Comment: This sequence change replaces alanine, which is neutral and non-polar, with valine, which is neutral and non-polar, at codon 305 of the ARID1A protein (p.Ala305Val). In summary, the available evidence is currently insufficient to determine the role of this variant in disease. Therefore, it has been classified as a Variant of Uncertain Significance. Advanced modeling of protein sequence and biophysical properties (such as structural, functional, and spatial information, amino acid conservation, physicochemical variation, residue mobility, and thermodynamic stability) performed at Invitae indicates that this missense variant is not expected to disrupt ARID1A protein function. ClinVar contains an entry for this variant (Variation ID: 1420428). This variant has not been reported in the literature in individuals affected with ARID1A-related conditions. The frequency data for this variant in the population databases is considered unreliable, as metrics indicate poor data quality at this position in the gnomAD database.